The following is an entry in ClinVar:

NM_001003722.2(GLE1):c.1437del (p.Lys479fs)

Genes: GLE1 (GLE1 RNA export mediator; plus strand), LOC101929270 (uncharacterized LOC101929270; minus strand). Cytogenetic location: 9q34.11.
Variant type: Deletion.
Coding change: c.1437del on transcript NM_001003722.2 (MANE Select); coding-DNA position 1437, one base deleted (A; older notation c.1437delA).
Protein change: p.Lys479fs; shifts the reading frame from lysine 479.
Molecular consequence: frameshift variant.
Genome position (GRCh38, 1-based): chr9:128,533,637, A deleted; the last of 3 consecutive A bases (chr9:128,533,635-128,533,637); deleting any one gives the same sequence. VCF-style (leftmost placement, unchanged base first): chr9-128533634-CA-C. GRCh37 (hg19) VCF-style: chr9-131295913-CA-C.
Other names: c.1437del, p.Lys479fs (NM_001499.2); short protein forms K479fs.
Identifiers: ClinVar variation 940435 (VCV000940435.8), dbSNP rs1847597376, ClinGen allele CA1139661241.

ClinVar aggregate classification (germline): Pathogenic (1 of 4 stars; one submission).

Submission:

Labcorp Genetics (formerly Invitae), Labcorp
Classification: Pathogenic. Last evaluated: 2019-06-05. Review status: criteria provided, single submitter. Criteria: Invitae Variant Classification Sherloc (09022015). Collection method: clinical testing. Allele origin: germline.
Comment: For these reasons, this variant has been classified as Pathogenic. Loss-of-function variants in GLE1 are known to be pathogenic (PMID: 18204449, 24243016, 27684565). This variant has not been reported in the literature in individuals with GLE1-related conditions. This variant is not present in population databases (ExAC no frequency). This sequence change creates a premature translational stop signal (p.Lys479Asnfs*7) in the GLE1 gene. It is expected to result in an absent or disrupted protein product.

Literature cited by the submitters: PubMed 18204449; PubMed 24243016; PubMed 27684565.